The following is an entry in ClinVar:

ClinVar aggregate classification (germline): Likely benign. Review status: criteria provided, multiple submitters, no conflicts (2 of 4 stars). 2 submissions from 2 submitters: Likely benign (2). Last evaluated 2026-05-13.

Conditions:
Neurofibromatosis, type 1 (NF1). Also called: VON RECKLINGHAUSEN DISEASE; NEUROFIBROMATOSIS, TYPE I, SOMATIC; Peripheral type neurofibromatosis; Neurofibromatosis, type I. Identifiers: Orphanet 636, MedGen C0027831, MONDO:0018975, OMIM 162200. Disease mechanism: loss of function.

Submissions (2):

Myriad Genetics, Inc.
Classification: Likely benign for Neurofibromatosis, type 1. Last evaluated: 2026-05-13. Review status: criteria provided, single submitter. Criteria: Myriad Autosomal Dominant, Autosomal Recessive and X-Linked Classification Criteria (2023). Collection method: clinical testing. Allele origin: unknown.
Comment: This variant is considered likely benign. This variant is intronic and is not expected to impact mRNA splicing.

Labcorp Genetics (formerly Invitae), Labcorp
Classification: Likely benign for Neurofibromatosis, type 1. Last evaluated: 2025-05-27. Review status: criteria provided, single submitter. Criteria: Invitae Variant Classification Sherloc (09022015). Collection method: clinical testing. Allele origin: germline.

NM_001042492.3(NF1):c.6642+7A>C

Gene: NF1 (neurofibromin 1; plus strand). Cytogenetic location: 17q11.2.
Variant type: single nucleotide variant.
Coding change: c.6642+7A>C on transcript NM_001042492.3 (MANE Select); 7 bases into the intron after coding-DNA position 6642, A replaced by C.
Molecular consequence: intron variant.
Genome position (GRCh38, 1-based): chr17:31,337,589, A>C. VCF-style: chr17-31337589-A-C. GRCh37 (hg19) VCF-style: chr17-29664607-A-C.
Other names: c.6579+7A>C (NM_000267.4).
Identifiers: ClinVar variation 4704185 (VCV004704185.2).